The following is an entry in ClinVar:

NM_001374828.1(ARID1B):c.5129T>C (p.Val1710Ala)

Gene: ARID1B (AT-rich interaction domain 1B; plus strand). Cytogenetic location: 6q25.3.
Variant type: single nucleotide variant.
Coding change: c.5129T>C on transcript NM_001374828.1 (MANE Select); coding-DNA position 5129, T replaced by C.
Protein change: p.Val1710Ala; replaces valine 1710 with alanine.
Molecular consequence: missense variant.
Genome position (GRCh38, 1-based): chr6:157,201,354, T>C. VCF-style: chr6-157201354-T-C. GRCh37 (hg19) VCF-style: chr6-157522488-T-C.
Other names: c.2630T>C, p.Val877Ala (NM_001363725.2); c.5009T>C, p.Val1670Ala (NM_001371656.1, NM_001374820.1); c.5258T>C, p.Val1753Ala (NM_001438482.1); c.5171T>C, p.Val1724Ala (NM_001438483.1); c.5039T>C, p.Val1680Ala (NM_001438485.1); c.5012T>C, p.Val1671Ala (NM_001438486.1); c.4949T>C, p.Val1650Ala (NM_001438487.1); c.2471T>C, p.Val824Ala (NM_001438488.1); and 1 more; short protein forms V1650A, V1657A, V1670A, V1671A, V1680A, V1710A, V1724A, V1753A.
Identifiers: ClinVar variation 4881202 (VCV004881202.2).
Genomic context (GRCh38, chr6:157,201,354, plus strand): 5'-TGTCTCCAAGCAAGTCTCCTTTTCTGCCGTCTATGAAGATGCAGAAGGTCATGCCCACGG[T>C]CCCCACATCCCAGGTCACCGGGCCACCACCCCAACCACCCCCAATCAGAAGGGAGATCAC-3'
Protein context (NP_001361757.1, residues 1700-1720): SMKMQKVMPT[Val1710Ala]PTSQVTGPPP

ClinVar aggregate classification (germline): Uncertain significance (1 of 4 stars; one submission).

Submission:

Dasa
Classification: Uncertain significance. Last evaluated: 2025-11-05. Review status: criteria provided, single submitter. Criteria: DASA Assertion Criteria. Collection method: clinical testing. Allele origin: germline.
Comment: NM_001374828.1(ARID1B):c.5129T>C (p.Val1710Ala) is a missense variant that results in the substitution of valine with alanine. This variant is absent from population databases. Computational prediction algorithms are consistent with a benign effect. The currently available literature and clinical evidence are not sufficient to establish a definitive association between this variant and the reported condition. Therefore, this variant is classified as a variant of uncertain significance.